The following is an entry in ClinVar:

ClinVar aggregate classification (germline): Likely benign. Review status: criteria provided, multiple submitters, no conflicts (2 of 4 stars). 5 submissions from 5 submitters: Likely benign (5). Last evaluated 2026-09-01.

Conditions:
Idiopathic Pulmonary Fibrosis. Also called: Idiopathic fibrosing alveolitis, chronic form; idiopathic fibrosing alveolitis. Identifiers: Orphanet 2032, MedGen C1800706, MeSH D054990, MONDO:0800504.
Dyskeratosis congenita, autosomal dominant 2. Identifiers: MedGen C3151443, MONDO:0013521, OMIM 613989.

Allele frequency attached by ClinVar (database versions not stated): gnomAD exomes 0.00004 and 0.00005; TOPMed 0.00005; gnomAD 0.00006; ExAC 0.00008; ESP Exome Variant Server 0.00008.
gnomAD v4.1: 70 of 1,609,282 alleles (0.0043%); highest among the groups gnomAD compares: Middle Eastern, 0.049%; no homozygotes.

Submissions (5):

CeGaT Center for Human Genetics Tuebingen
Classification: Likely benign. Last evaluated: 2026-09-01. Review status: criteria provided, single submitter. Criteria: CeGaT Center For Human Genetics Tuebingen Variant Classification Criteria Version 2. Collection method: clinical testing. Allele origin: germline. Affected: yes. Observed: 2 variant alleles.
Comment: TERT: BP4, BS1:Supporting

Labcorp Genetics (formerly Invitae), Labcorp
Classification: Likely benign for Dyskeratosis congenita, autosomal dominant 2; Idiopathic Pulmonary Fibrosis. Last evaluated: 2025-12-09. Review status: criteria provided, single submitter. Criteria: Invitae Variant Classification Sherloc (09022015). Collection method: clinical testing. Allele origin: germline.

Laboratory of Genetics, Children's Clinical University Hospital Latvia
Classification: Likely benign. Last evaluated: 2025-02-16. Review status: criteria provided, single submitter. Criteria: ACMG Guidelines, 2015. Collection method: clinical testing. Allele origin: germline. Affected: yes.

Blueprint Genetics
Classification: Likely benign. Last evaluated: 2024-03-06. Review status: criteria provided, single submitter. Criteria: ACMG Guidelines, 2015. Collection method: clinical testing. Allele origin: germline.

ARUP Laboratories, Molecular Genetics and Genomics, ARUP Laboratories
Classification: Likely benign. Last evaluated: 2024-02-07. Review status: criteria provided, single submitter. Criteria: ARUP Molecular Germline Variant Investigation Process 2024. Collection method: clinical testing. Allele origin: germline.

NM_198253.3(TERT):c.2843+7G>A

Gene: TERT (telomerase reverse transcriptase; minus strand). Cytogenetic location: 5p15.33.
Variant type: single nucleotide variant.
Coding change: c.2843+7G>A on transcript NM_198253.3 (MANE Select); 7 bases into the intron after coding-DNA position 2843, G replaced by A.
Molecular consequence: intron variant.
Genome position (GRCh38, 1-based): chr5:1,264,397, C>T on the plus strand (G>A on the coding strand, the complement: TERT is on the minus strand). VCF-style: chr5-1264397-C-T. GRCh37 (hg19) VCF-style: chr5-1264512-C-T.
Other names: c.2654+2067G>A (NM_001193376.3).
Identifiers: ClinVar variation 416295 (VCV000416295.35), dbSNP rs368429405, ClinGen allele CA3184386.